The following is an entry in ClinVar:

NM_000154.2(GALK1):c.868C>T (p.Gln290Ter)

Gene: GALK1 (galactokinase 1; minus strand). Cytogenetic location: 17q25.1.
Variant type: single nucleotide variant.
Coding change: c.868C>T on transcript NM_000154.2 (MANE Select); coding-DNA position 868, C replaced by T.
Protein change: p.Gln290Ter; replaces glutamine 290 with a stop codon.
Molecular consequence: nonsense.
Genome position (GRCh38, 1-based): chr17:75,758,525, G>A on the plus strand (C>T on the coding strand, the complement: GALK1 is on the minus strand). VCF-style: chr17-75758525-G-A. GRCh37 (hg19) VCF-style: chr17-73754606-G-A.
Other names: c.868C>T, p.Gln290Ter (NM_001381985.1); short protein forms Q290*.
Identifiers: ClinVar variation 2704911 (VCV002704911.4), dbSNP rs2545900206, ClinGen allele CA401100183.

ClinVar aggregate classification (germline): Pathogenic. Review status: criteria provided, multiple submitters, no conflicts (2 of 4 stars). 2 submissions from 2 submitters: Pathogenic (2). Last evaluated 2026-01-21.

Conditions:
Deficiency of galactokinase. Also called: Galactokinase deficiency with cataracts; GALACTOSEMIA II. Identifiers: Orphanet 352, Orphanet 79237, MedGen C0268155, MONDO:0009255, OMIM 230200.

Submissions (2):

Myriad Genetics, Inc.
Classification: Pathogenic for Deficiency of galactokinase. Last evaluated: 2026-01-21. Review status: criteria provided, single submitter. Criteria: Myriad Autosomal Dominant, Autosomal Recessive and X-Linked Classification Criteria (2023). Collection method: clinical testing. Allele origin: unknown.
Comment: NM_000154.1(GALK1):c.868C>T(Q290*) is a nonsense variant classified as pathogenic in the context of galactokinase deficiency. Q290* has not been observed in cases with relevant disease. Relevant functional assessments of this variant are not available in the literature. Q290* has not been observed in referenced population frequency databases. In summary, NM_000154.1(GALK1):c.868C>T(Q290*) is a nonsense variant in a gene where loss of function is a known mechanism of disease and is predicted to disrupt protein function. Please note: this variant was assessed in the context of healthy population screening.

Labcorp Genetics (formerly Invitae), Labcorp
Classification: Pathogenic for Deficiency of galactokinase. Last evaluated: 2023-12-22. Review status: criteria provided, single submitter. Criteria: Invitae Variant Classification Sherloc (09022015). Collection method: clinical testing. Allele origin: germline.
Comment: This sequence change creates a premature translational stop signal (p.Gln290*) in the GALK1 gene. It is expected to result in an absent or disrupted protein product. Loss-of-function variants in GALK1 are known to be pathogenic (PMID: 7670469, 10790206). This variant is not present in population databases (gnomAD no frequency). This variant has not been reported in the literature in individuals affected with GALK1-related conditions. For these reasons, this variant has been classified as Pathogenic.

Literature cited by the submitters: PubMed 7670469 (cited by Labcorp Genetics (formerly Invitae), Labcorp); PubMed 10790206 (cited by Labcorp Genetics (formerly Invitae), Labcorp).